The following is an entry in ClinVar:

NM_000051.4(ATM):c.118A>G (p.Ile40Val)

Gene: ATM (ATM serine/threonine kinase; plus strand). Cytogenetic location: 11q22.3.
Variant type: single nucleotide variant.
Coding change: c.118A>G on transcript NM_000051.4 (MANE Select); coding-DNA position 118, A replaced by G.
Protein change: p.Ile40Val; replaces isoleucine 40 with valine.
Molecular consequence: missense variant.
Genome position (GRCh38, 1-based): chr11:108,227,821, A>G. VCF-style: chr11-108227821-A-G. GRCh37 (hg19) VCF-style: chr11-108098548-A-G.
Other names: c.118A>G, p.Ile40Val (NM_001351834.2, NM_001351835.2, NM_001351836.2); short protein forms I40V.
Identifiers: ClinVar variation 422792 (VCV000422792.22), dbSNP rs1064796002, ClinGen allele CA16619094.
Genomic context (GRCh38, chr11:108,227,821, plus strand): 5'-CCTTTTTATTTTCAGAAAGAAGTTGAGAAATTTAAGCGCCTGATTCGAGATCCTGAAACA[A>G]TTAAACATCTAGATCGGCATTCAGATTCCAAACAAGGAAAATATTTGAATTGGGATGCTG-3'
Protein context (NP_000042.3, residues 30-50): FKRLIRDPET[Ile40Val]KHLDRHSDSK

ClinVar aggregate classification (germline): Conflicting classifications of pathogenicity. Review status: criteria provided, conflicting classifications (1 of 4 stars). 5 submissions from 5 submitters: Uncertain significance (4); Likely benign (1). Last evaluated 2025-09-18.

Conditions:
Hereditary cancer-predisposing syndrome. Also called: Hereditary neoplastic syndrome; Hereditary Cancer Syndrome; Neoplastic Syndromes, Hereditary; Tumor predisposition. Identifiers: Orphanet 140162, MedGen C0027672, MeSH D009386, MONDO:0015356.
Ataxia-telangiectasia syndrome (AT). Also called: Ataxia-telangiectasia, complementation group D; Cerebello-oculocutaneous telangiectasia; Immunodeficiency with ataxia telangiectasia; ATAXIA-TELANGIECTASIA, COMPLEMENTATION GROUP A; ATAXIA-TELANGIECTASIA, FRESNO VARIANT; LOUIS-BAR SYNDROME. Identifiers: Orphanet 100, MedGen C0004135, MONDO:0008840, OMIM 208900.

Allele frequency attached by ClinVar (database versions not stated): gnomAD exomes below 0.00001.
gnomAD v4.1: 6 of 1,613,766 alleles (0.00037%); highest among the groups gnomAD compares: South Asian, 0.0011%; no homozygotes.

Submissions (5):

GeneDx
Classification: Uncertain significance. Last evaluated: 2025-09-18. Review status: criteria provided, single submitter. Criteria: GeneDx Variant Classification Process June 2021. Collection method: clinical testing. Allele origin: germline. Affected: yes.
Comment: Not observed at significant frequency in large population cohorts (gnomAD); In silico analysis suggests that this missense variant does not alter protein structure/function; Has not been previously published as pathogenic or benign to our knowledge

Labcorp Genetics (formerly Invitae), Labcorp
Classification: Uncertain significance for Ataxia-telangiectasia syndrome. Last evaluated: 2025-08-26. Review status: criteria provided, single submitter. Criteria: Invitae Variant Classification Sherloc (09022015). Collection method: clinical testing. Allele origin: germline.
Comment: This sequence change replaces isoleucine, which is neutral and non-polar, with valine, which is neutral and non-polar, at codon 40 of the ATM protein (p.Ile40Val). This variant is not present in population databases (gnomAD no frequency). This variant has not been reported in the literature in individuals affected with ATM-related conditions. ClinVar contains an entry for this variant (Variation ID: 422792). Invitae Evidence Modeling of protein sequence and biophysical properties (such as structural, functional, and spatial information, amino acid conservation, physicochemical variation, residue mobility, and thermodynamic stability) indicates that this missense variant is not expected to disrupt ATM protein function with a negative predictive value of 95%. In summary, the available evidence is currently insufficient to determine the role of this variant in disease. Therefore, it has been classified as a Variant of Uncertain Significance.

Quest Diagnostics Nichols Institute San Juan Capistrano
Classification: Uncertain significance. Last evaluated: 2025-08-18. Review status: criteria provided, single submitter. Criteria: Quest Diagnostics criteria. Collection method: clinical testing. Allele origin: unknown.

Color Diagnostics, LLC DBA Color Health
Classification: Uncertain significance for Hereditary cancer-predisposing syndrome. Last evaluated: 2024-03-06. Review status: criteria provided, single submitter. Criteria: ACMG Guidelines, 2015. Collection method: clinical testing. Allele origin: germline.
Comment: This missense variant replaces isoleucine with valine at codon 40 of the ATM protein. Computational prediction suggests that this variant may not impact protein structure and function (internally defined REVEL score threshold <= 0.5, PMID: 27666373). To our knowledge, functional studies have not been reported for this variant. This variant has not been reported in individuals affected with ATM-related disorders in the literature. This variant has not been identified in the general population by the Genome Aggregation Database (gnomAD). The available evidence is insufficient to determine the role of this variant in disease conclusively. Therefore, this variant is classified as a Variant of Uncertain Significance.

Ambry Genetics
Classification: Likely benign for Hereditary cancer-predisposing syndrome. Last evaluated: 2018-07-26. Review status: criteria provided, single submitter. Criteria: Ambry Variant Classification Scheme 2023. Collection method: clinical testing. Allele origin: germline.